The following is an entry in ClinVar:

NM_004336.5(BUB1):c.3208C>T (p.Arg1070Cys)

Gene: BUB1 (BUB1 mitotic checkpoint serine/threonine kinase; minus strand). Cytogenetic location: 2q13.
Variant type: single nucleotide variant.
Coding change: c.3208C>T on transcript NM_004336.5 (MANE Select); coding-DNA position 3208, C replaced by T.
Protein change: p.Arg1070Cys; replaces arginine 1070 with cysteine.
Molecular consequence: missense variant.
Genome position (GRCh38, 1-based): chr2:110,638,014, G>A on the plus strand (C>T on the coding strand, the complement: BUB1 is on the minus strand). VCF-style: chr2-110638014-G-A. GRCh37 (hg19) VCF-style: chr2-111395591-G-A.
Other names: c.3148C>T, p.Arg1050Cys (NM_001278616.2); c.3037C>T, p.Arg1013Cys (NM_001278617.2); short protein forms R1070C, R1013C, R1050C.
Identifiers: ClinVar variation 2464519 (VCV002464519.4), dbSNP rs191292475, ClinGen allele CA1827620.

ClinVar aggregate classification (germline): Uncertain significance. Review status: criteria provided, multiple submitters, no conflicts (2 of 4 stars). 2 submissions from 2 submitters: Uncertain significance (2). Last evaluated 2024-08-24.

Allele frequency attached by ClinVar (database versions not stated): ExAC 0.00003; gnomAD 0.00003; 1000 Genomes Project 30x 0.00016; 1000 Genomes Project 0.00020.
gnomAD v4.1: 25 of 1,593,842 alleles (0.0016%); highest among the groups gnomAD compares: East Asian, 0.018%; no homozygotes.

Submissions (2):

Labcorp Genetics (formerly Invitae), Labcorp
Classification: Uncertain significance. Last evaluated: 2024-08-24. Review status: criteria provided, single submitter. Criteria: Invitae Variant Classification Sherloc (09022015). Collection method: clinical testing. Allele origin: germline.
Comment: This sequence change replaces arginine, which is basic and polar, with cysteine, which is neutral and slightly polar, at codon 1070 of the BUB1 protein (p.Arg1070Cys). This variant is present in population databases (rs191292475, gnomAD 0.03%). This variant has not been reported in the literature in individuals affected with BUB1-related conditions. ClinVar contains an entry for this variant (Variation ID: 2464519). Experimental studies and prediction algorithms are not available or were not evaluated, and the functional significance of this variant is currently unknown. In summary, the available evidence is currently insufficient to determine the role of this variant in disease. Therefore, it has been classified as a Variant of Uncertain Significance.

Ambry Genetics
Classification: Uncertain significance. Last evaluated: 2022-11-10. Review status: criteria provided, single submitter. Criteria: Ambry Variant Classification Scheme 2023. Collection method: clinical testing. Allele origin: germline.
Comment: The p.R1070C variant (also known as c.3208C>T), located in coding exon 25 of the BUB1 gene, results from a C to T substitution at nucleotide position 3208. The arginine at codon 1070 is replaced by cysteine, an amino acid with highly dissimilar properties. This amino acid position is conserved. In addition, this alteration is predicted to be tolerated by in silico analysis. Since supporting evidence is limited at this time, the clinical significance of this alteration remains unclear.